The following is an entry in ClinVar:

ClinVar aggregate classification (germline): no classifications from unflagged records (0 of 4 stars; one submission).

Submission:

Illumina Laboratory Services, Illumina
Classification: Uncertain significance. Last evaluated: 2023-05-23. Review status: flagged submission. Criteria: ICSL CNVClassificationCriteria Aug2020. Collection method: clinical testing. Allele origin: unknown.
Comment: This CNV is a 1.2 Mb deletion of 2q11.1-q11.2, on chromosome 2, (seq[GRCh37]del(2)(q11.1q11.2); NC_000002.11:g.96555654_97769352del). This CNV encompasses 35 genes, including 23 protein coding genes, and overlaps the recurrent 2q11.2 deletion region. Patients with similar losses in this region are noted to display highly variable and nonspecific clinical features including developmental delay, intellectual disability, autism spectrum disorder, ADHD, speech delay, craniofacial features, pectus excavatum, and inversion of the foot. Additional features may include hypotonia, encephalopathy, recurrent ear infections, hip joint hypermobility, café au lait spots, aortic coarcation, scoliosis, and other skeletal anomalies (PMID: 19344873; PMID: 19443486; PMID: 26227573). Although segregation was noted in one family with two affected siblings, inheritance from unaffected parents has also been reported (PMID: 19344873; PMID: 26227573). Case-control studies suggest a nominal increase of this deletion in the clinical population (PMID: 25217958). Two similar losses in this region have been reported in controls (PMID: 24174537). Based on the available evidence, this variant is classified as a variant of uncertain significance.
ClinVar note: Notes: This submission was flagged because its interpretation of this variant conflicts with the ClinGen Gene Dosage Map curation for the gene TMEM127.
ClinVar note: Reason: Conflict with ClinGen Gene Dosage Map

Single allele

Genes: ADRA2B (adrenoceptor alpha 2B; minus strand), ANKRD23 (ankyrin repeat domain 23; minus strand), ANKRD36C (ankyrin repeat domain 36C; minus strand), ANKRD39 (ankyrin repeat domain 39; minus strand), ARID5A (AT-rich interaction domain 5A; plus strand) and 17 more. Cytogenetic location: 2q11.1-11.2.
Variant type: Deletion.
Identifiers: ClinVar variation 2671593 (VCV002671593.1).